The following is an entry in ClinVar:

ClinVar aggregate classification (germline): Likely benign. Review status: criteria provided, multiple submitters, no conflicts (2 of 4 stars). 2 submissions from 2 submitters: Likely benign (2). Last evaluated 2023-03-08.

Allele frequency attached by ClinVar (database versions not stated): gnomAD 0.00003; TOPMed 0.00003.
gnomAD v4.1: 11 of 1,562,818 alleles (0.0007%); highest among the groups gnomAD compares: African/African-American, 0.012%; no homozygotes.

Submissions (2):

Labcorp Genetics (formerly Invitae), Labcorp
Classification: Likely benign. Last evaluated: 2023-03-08. Review status: criteria provided, single submitter. Criteria: Invitae Variant Classification Sherloc (09022015). Collection method: clinical testing. Allele origin: germline.

CeGaT Center for Human Genetics Tuebingen
Classification: Likely benign. Last evaluated: 2022-04-01. Review status: criteria provided, single submitter. Criteria: CeGaT Center For Human Genetics Tuebingen Variant Classification Criteria Version 2. Collection method: clinical testing. Allele origin: germline. Affected: yes. Observed: 1 variant allele.
Comment: SRCAP: BP4, BP7

NM_006662.3(SRCAP):c.8329C>T (p.Leu2777=)

Gene: SRCAP (Snf2 related CREBBP activator protein; plus strand). Cytogenetic location: 16p11.2.
Variant type: single nucleotide variant.
Coding change: c.8329C>T on transcript NM_006662.3 (MANE Select); coding-DNA position 8329, C replaced by T.
Protein change: p.Leu2777=; no amino-acid change (leucine 2777 retained).
Molecular consequence: synonymous variant.
Genome position (GRCh38, 1-based): chr16:30,738,369, C>T. VCF-style: chr16-30738369-C-T. GRCh37 (hg19) VCF-style: chr16-30749690-C-T.
Identifiers: ClinVar variation 1951876 (VCV001951876.29), dbSNP rs759430147, ClinGen allele CA8012664.